The following is an entry in ClinVar:

ClinVar aggregate classification (germline): Likely benign (1 of 4 stars; one submission).

Allele frequency attached by ClinVar (database versions not stated): gnomAD exomes 0.00011 and 0.00017; gnomAD 0.00021 and 0.00023; 1000 Genomes Project 0.00060; ESP Exome Variant Server 0.00069.
gnomAD v4.1: 270 of 1,609,630 alleles (0.017%); highest among the groups gnomAD compares: Non-Finnish European, 0.019%; no homozygotes.

Submission:

CeGaT Center for Human Genetics Tuebingen
Classification: Likely benign. Last evaluated: 2026-04-01. Review status: criteria provided, single submitter. Criteria: CeGaT Center For Human Genetics Tuebingen Variant Classification Criteria Version 2. Collection method: clinical testing. Allele origin: germline. Affected: yes. Observed: 4 variant alleles.
Comment: QRICH2: BP4, BP7

NM_001388453.1(QRICH2):c.2616G>C (p.Val872=)

Gene: QRICH2 (glutamine rich 2; minus strand). Cytogenetic location: 17q25.1.
Variant type: single nucleotide variant.
Coding change: c.2616G>C on transcript NM_001388453.1 (MANE Select); coding-DNA position 2616, G replaced by C.
Protein change: p.Val872=; no amino-acid change (valine 872 retained).
Molecular consequence: synonymous variant.
Genome position (GRCh38, 1-based): chr17:76,292,111, C>G on the plus strand (G>C on the coding strand, the complement: QRICH2 is on the minus strand). VCF-style: chr17-76292111-C-G. GRCh37 (hg19) VCF-style: chr17-74288192-C-G.
Other names: c.2616G>C, p.Val872= (NM_032134.3).
Identifiers: ClinVar variation 1335297 (VCV001335297.35), dbSNP rs144562296, ClinGen allele CA8783984.
Genomic context (GRCh38, chr17:76,292,111, plus strand): 5'-GATCAAACCACGCTGGTCCATTCCAGGTTGGACCAAACCACGCTGATCCACTCCAGGTTG[C>G]ACCAAACCACGCTGATCCACTCCAGGTTGGACCAAACCACGCTGATCTGCACCAGGTTGG-3'
Protein context (NP_001375382.1, residues 862-882): VQPGVDQRGL[Val872=]QPGVDQRGLV